The following is an entry in ClinVar:

NM_147127.5(EVC2):c.3056G>A (p.Arg1019Gln)

Gene: EVC2 (EvC ciliary complex subunit 2; minus strand). Cytogenetic location: 4p16.2.
Variant type: single nucleotide variant.
Coding change: c.3056G>A on transcript NM_147127.5 (MANE Select); coding-DNA position 3056, G replaced by A.
Protein change: p.Arg1019Gln; replaces arginine 1019 with glutamine.
Molecular consequence: missense variant.
Genome position (GRCh38, 1-based): chr4:5,584,624, C>T on the plus strand (G>A on the coding strand, the complement: EVC2 is on the minus strand). VCF-style: chr4-5584624-C-T. GRCh37 (hg19) VCF-style: chr4-5586351-C-T.
Other names: c.2816G>A, p.Arg939Gln (NM_001166136.2); short protein forms R939Q, R1019Q.
Identifiers: ClinVar variation 899612 (VCV000899612.8), dbSNP rs573448772, ClinGen allele CA2834475.

ClinVar aggregate classification (germline): Uncertain significance. Review status: criteria provided, multiple submitters, no conflicts (2 of 4 stars). 3 submissions from 3 submitters: Uncertain significance (3). Last evaluated 2025-01-06.

Conditions:
Ellis-van Creveld syndrome (EVC). Also called: EVC-Related Ellis-van Creveld Syndrome; EVC2-Related Ellis-van Creveld Syndrome; MESOECTODERMAL DYSPLASIA; Chondroectodermal dysplasia. Identifiers: Orphanet 289, MedGen C0013903, MONDO:0009162, OMIM 225500.
Inborn genetic diseases. Identifiers: MedGen C0950123, MeSH D030342.
Curry-Hall syndrome (WAD). Also called: WEYERS ACRODENTAL DYSOSTOSIS. Identifiers: Orphanet 952, MedGen C0457013, MONDO:0008673, OMIM 193530.

Allele frequency attached by ClinVar (database versions not stated): gnomAD 0.00004 and 0.00005; TOPMed 0.00008.
gnomAD v4.1: 87 of 1,612,416 alleles (0.0054%); highest among the groups gnomAD compares: Middle Eastern, 0.017%; no homozygotes.

Submissions (3):

Labcorp Genetics (formerly Invitae), Labcorp
Classification: Uncertain significance for Curry-Hall syndrome; Ellis-van Creveld syndrome. Last evaluated: 2025-01-06. Review status: criteria provided, single submitter. Criteria: Invitae Variant Classification Sherloc (09022015). Collection method: clinical testing. Allele origin: germline.
Comment: This sequence change replaces arginine, which is basic and polar, with glutamine, which is neutral and polar, at codon 1019 of the EVC2 protein (p.Arg1019Gln). This variant is present in population databases (rs573448772, gnomAD 0.01%). This variant has not been reported in the literature in individuals affected with EVC2-related conditions. ClinVar contains an entry for this variant (Variation ID: 899612). An algorithm developed to predict the effect of missense changes on protein structure and function (PolyPhen-2) suggests that this variant is likely to be tolerated. In summary, the available evidence is currently insufficient to determine the role of this variant in disease. Therefore, it has been classified as a Variant of Uncertain Significance.

Ambry Genetics
Classification: Uncertain significance for Inborn genetic diseases. Last evaluated: 2024-09-10. Review status: criteria provided, single submitter. Criteria: Ambry Variant Classification Scheme 2023. Collection method: clinical testing. Allele origin: germline.

Illumina Laboratory Services, Illumina
Classification: Uncertain significance for Ellis-van Creveld syndrome. Last evaluated: 2018-01-13. Review status: criteria provided, single submitter. Criteria: ICSL Variant Classification Criteria 13 December 2019. Collection method: clinical testing. Allele origin: germline.